The following is an entry in ClinVar:

ClinVar aggregate classification (germline): Uncertain significance. Review status: criteria provided, multiple submitters, no conflicts (2 of 4 stars). 2 submissions from 2 submitters: Uncertain significance (2). Last evaluated 2025-01-19.

Conditions:
Developmental and epileptic encephalopathy, 1 (DEE1). Also called: INFANTILE SPASM SYNDROME, X-LINKED 1; Epileptic encephalopathy, early infantile, 1; X-linked infantile spasms; West's syndrome; Tonic spasms with clustering, arrest of psychomotor development and hypsarrhythmia on EEG; X-Linked Infantile Spasm Syndrome. Identifiers: MedGen C3463992, MONDO:0010632, OMIM 308350. Disease mechanism: loss of function.
Intellectual disability, X-linked, with or without seizures, ARX-related. Also called: MENTAL RETARDATION, X-LINKED 29; MENTAL RETARDATION, X-LINKED 32; MENTAL RETARDATION, X-LINKED 33; MENTAL RETARDATION, X-LINKED 38; MENTAL RETARDATION, X-LINKED 43; MENTAL RETARDATION, X-LINKED 76. Identifiers: Orphanet 777, MedGen C0796244, MONDO:0010317, OMIM 300419.
Inborn genetic diseases. Identifiers: MedGen C0950123, MeSH D030342.

Allele frequency attached by ClinVar (database versions not stated): gnomAD exomes 0.00001.
gnomAD v4.1: 2 of 1,136,989 alleles (0.00018%); highest among the groups gnomAD compares: Non-Finnish European, 0.00023%; no homozygotes.

Submissions (2):

Labcorp Genetics (formerly Invitae), Labcorp
Classification: Uncertain significance for Developmental and epileptic encephalopathy, 1; Intellectual disability, X-linked, with or without seizures, ARX-related. Last evaluated: 2025-01-19. Review status: criteria provided, single submitter. Criteria: Invitae Variant Classification Sherloc (09022015). Collection method: clinical testing. Allele origin: germline.
Comment: This sequence change replaces serine, which is neutral and polar, with glycine, which is neutral and non-polar, at codon 443 of the ARX protein (p.Ser443Gly). This variant is not present in population databases (gnomAD no frequency). This variant has not been reported in the literature in individuals affected with ARX-related conditions. ClinVar contains an entry for this variant (Variation ID: 843814). Invitae Evidence Modeling of protein sequence and biophysical properties (such as structural, functional, and spatial information, amino acid conservation, physicochemical variation, residue mobility, and thermodynamic stability) indicates that this missense variant is not expected to disrupt ARX protein function with a negative predictive value of 80%. In summary, the available evidence is currently insufficient to determine the role of this variant in disease. Therefore, it has been classified as a Variant of Uncertain Significance.

Ambry Genetics
Classification: Uncertain significance for Inborn genetic diseases. Last evaluated: 2024-11-14. Review status: criteria provided, single submitter. Criteria: Ambry Variant Classification Scheme 2023. Collection method: clinical testing. Allele origin: germline.

NM_139058.3(ARX):c.1327A>G (p.Ser443Gly)

Gene: ARX (aristaless related homeobox; minus strand). Cytogenetic location: Xp21.3.
Variant type: single nucleotide variant.
Coding change: c.1327A>G on transcript NM_139058.3 (MANE Select); coding-DNA position 1327, A replaced by G.
Protein change: p.Ser443Gly; replaces serine 443 with glycine.
Molecular consequence: missense variant.
Genome position (GRCh38, 1-based): chrX:25,007,232, T>C on the plus strand (A>G on the coding strand, the complement: ARX is on the minus strand). VCF-style: chrX-25007232-T-C. GRCh37 (hg19) VCF-style: chrX-25025349-T-C.
Other names: short protein forms S443G.
Identifiers: ClinVar variation 843814 (VCV000843814.8), dbSNP rs2048682085, ClinGen allele CA412611244.